The following is an entry in ClinVar:

ClinVar aggregate classification (germline): Benign. Review status: criteria provided, multiple submitters, no conflicts (2 of 4 stars). 2 submissions from 2 submitters: Benign (2). Last evaluated 2018-01-12.

Conditions:
Cayman type cerebellar ataxia. Also called: Cayman ataxia. Identifiers: Orphanet 94122, MedGen C1832585, MONDO:0011025, OMIM 601238.

Allele frequency attached by ClinVar (database versions not stated): ExAC 0.11776; 1000 Genomes Project 0.12101; 1000 Genomes Project 30x 0.12617; gnomAD 0.15552 and 0.16262; TOPMed 0.16237; ESP Exome Variant Server 0.16702.
gnomAD v4.1: 203,443 of 1,598,460 alleles (13%); highest among the groups gnomAD compares: African/African-American, 24%; 14,532 homozygotes.

Submissions (2):

Illumina Laboratory Services, Illumina
Classification: Benign for Cayman type cerebellar ataxia. Last evaluated: 2018-01-12. Review status: criteria provided, single submitter. Criteria: ICSL Variant Classification Criteria 13 December 2019. Collection method: clinical testing. Allele origin: germline.
Comment: This variant was observed in the ICSL laboratory as part of a predisposition screen in an ostensibly healthy population. It had not been previously curated by ICSL or reported in the Human Gene Mutation Database (HGMD: prior to June 1st, 2018), and was therefore a candidate for classification through an automated scoring system. Utilizing variant allele frequency, disease prevalence and penetrance estimates, and inheritance mode, an automated score was calculated to assess if this variant is too frequent to cause the disease. Based on the score and internal cut-off values, a variant classified as benign is not then subjected to further curation. The score for this variant resulted in a classification of benign for this disease.

Breakthrough Genomics
Classification: Benign. Review status: criteria provided, single submitter. Criteria: ACMG Guidelines, 2015. Collection method: not provided. Allele origin: germline. Inheritance: Autosomal recessive inheritance. Affected: yes.

NM_033064.5(ATCAY):c.1074-14T>C

Gene: ATCAY (ATCAY kinesin light chain interacting caytaxin; plus strand). Cytogenetic location: 19p13.3.
Variant type: single nucleotide variant.
Coding change: c.1074-14T>C on transcript NM_033064.5 (MANE Select); 14 bases into the intron before coding-DNA position 1074, T replaced by C.
Molecular consequence: intron variant.
Genome position (GRCh38, 1-based): chr19:3,920,752, T>C. VCF-style: chr19-3920752-T-C. GRCh37 (hg19) VCF-style: chr19-3920750-T-C.
Identifiers: ClinVar variation 329153 (VCV000329153.6), dbSNP rs10420591, ClinGen allele CA9087450.